The following is an entry in ClinVar:

ClinVar aggregate classification (germline): Uncertain significance (1 of 4 stars; one submission).

Conditions:
Inborn genetic diseases. Identifiers: MedGen C0950123, MeSH D030342.

Allele frequency attached by ClinVar (database versions not stated): ExAC 0.00001; gnomAD 0.00001; gnomAD exomes 0.00001 and 0.00002; TOPMed 0.00002.
gnomAD v4.1: 22 of 1,610,638 alleles (0.0014%); highest among the groups gnomAD compares: South Asian, 0.0033%; no homozygotes.

Submission:

Ambry Genetics
Classification: Uncertain significance for Inborn genetic diseases. Last evaluated: 2018-05-22. Review status: criteria provided, single submitter. Criteria: Ambry Variant Classification Scheme 2023. Collection method: clinical testing. Allele origin: germline.
Comment: The p.R870Q variant (also known as c.2609G>A), located in coding exon 26 of the CC2D1A gene, results from a G to A substitution at nucleotide position 2609. The arginine at codon 870 is replaced by glutamine, an amino acid with highly similar properties. This amino acid position is well conserved in available vertebrate species; however, glutamine is the reference amino acid in other vertebrate species. In addition, this alteration is predicted to be tolerated by in silico analysis. Since supporting evidence is limited at this time, the clinical significance of this alteration remains unclear.

NM_017721.5(CC2D1A):c.2609G>A (p.Arg870Gln)

Gene: CC2D1A (coiled-coil and C2 domain containing 1A; plus strand). Cytogenetic location: 19p13.12.
Variant type: single nucleotide variant.
Coding change: c.2609G>A on transcript NM_017721.5 (MANE Select); coding-DNA position 2609, G replaced by A.
Protein change: p.Arg870Gln; replaces arginine 870 with glutamine.
Molecular consequence: missense variant.
Genome position (GRCh38, 1-based): chr19:13,929,559, G>A. VCF-style: chr19-13929559-G-A. GRCh37 (hg19) VCF-style: chr19-14040372-G-A.
Other names: short protein forms R870Q.
Identifiers: ClinVar variation 588300 (VCV000588300.5), dbSNP rs768143902, ClinGen allele CA9245163.